The following is an entry in ClinVar:

ClinVar aggregate classification (germline): Uncertain significance. Review status: criteria provided, multiple submitters, no conflicts (2 of 4 stars). 2 submissions from 2 submitters: Uncertain significance (2). Last evaluated 2025-07-20.

Conditions:
Hereditary cancer-predisposing syndrome. Also called: Hereditary Cancer Syndrome; Neoplastic Syndromes, Hereditary; Tumor predisposition; Hereditary neoplastic syndrome. Identifiers: Orphanet 140162, MedGen C0027672, MeSH D009386, MONDO:0015356.

Allele frequency attached by ClinVar (database versions not stated): TOPMed below 0.00001; gnomAD 0.00001.
gnomAD v4.1: 1 of 1,610,242 alleles (0.000062%); highest among the groups gnomAD compares: Non-Finnish European, 0.000085%; no homozygotes.

Submissions (2):

Ambry Genetics
Classification: Uncertain significance for Hereditary cancer-predisposing syndrome. Last evaluated: 2025-07-20. Review status: criteria provided, single submitter. Criteria: Ambry Variant Classification Scheme 2023. Collection method: clinical testing. Allele origin: germline.
Comment: The p.V117D variant (also known as c.350T>A), located in coding exon 3 of the RAD50 gene, results from a T to A substitution at nucleotide position 350. The valine at codon 117 is replaced by aspartic acid, an amino acid with highly dissimilar properties. This amino acid position is well conserved in available vertebrate species. In addition, the in silico prediction for this alteration is inconclusive. Since supporting evidence is limited at this time, the clinical significance of this alteration remains unclear.

Labcorp Genetics (formerly Invitae), Labcorp
Classification: Uncertain significance for Hereditary cancer-predisposing syndrome. Last evaluated: 2021-06-25. Review status: criteria provided, single submitter. Criteria: Invitae Variant Classification Sherloc (09022015). Collection method: clinical testing. Allele origin: germline.
Comment: This sequence change replaces valine with aspartic acid at codon 117 of the RAD50 protein (p.Val117Asp). The valine residue is moderately conserved and there is a large physicochemical difference between valine and aspartic acid. This variant is not present in population databases (ExAC no frequency). This variant has not been reported in the literature in individuals with RAD50-related conditions. ClinVar contains an entry for this variant (Variation ID: 480463). Algorithms developed to predict the effect of missense changes on protein structure and function are either unavailable or do not agree on the potential impact of this missense change (SIFT: "Deleterious"; PolyPhen-2: "Possibly Damaging"; Align-GVGD: "Class C0"). In summary, the available evidence is currently insufficient to determine the role of this variant in disease. Therefore, it has been classified as a Variant of Uncertain Significance.

NM_005732.4(RAD50):c.350T>A (p.Val117Asp)

Gene: RAD50 (RAD50 double strand break repair protein; plus strand). Cytogenetic location: 5q31.1.
Variant type: single nucleotide variant.
Coding change: c.350T>A on transcript NM_005732.4 (MANE Select); coding-DNA position 350, T replaced by A.
Protein change: p.Val117Asp; replaces valine 117 with aspartic acid.
Molecular consequence: missense variant.
Genome position (GRCh38, 1-based): chr5:132,575,913, T>A. VCF-style: chr5-132575913-T-A. GRCh37 (hg19) VCF-style: chr5-131911605-T-A.
Other names: short protein forms V117D.
Identifiers: ClinVar variation 480463 (VCV000480463.16), dbSNP rs1416692138, ClinGen allele CA360931433.